The following is an entry in ClinVar:

NM_000500.9(CYP21A2):c.1103C>T (p.Thr368Ile)

Genes: CYP21A2 (cytochrome P450 family 21 subfamily A member 2; plus strand), LOC106780800 (CYP21A2 recombination region; plus strand). Cytogenetic location: 6p21.33.
Variant type: single nucleotide variant.
Coding change: c.1103C>T on transcript NM_000500.9 (MANE Select); coding-DNA position 1103, C replaced by T.
Protein change: p.Thr368Ile; replaces threonine 368 with isoleucine.
Molecular consequence: missense variant.
Genome position (GRCh38, 1-based): chr6:32,040,569, C>T. VCF-style: chr6-32040569-C-T. GRCh37 (hg19) VCF-style: chr6-32008346-C-T.
Other names: c.1013C>T, p.Thr338Ile (NM_001128590.4); c.698C>T, p.Thr233Ile (NM_001368143.2, NM_001368144.2); short protein forms T338I, T368I, T233I.
Identifiers: ClinVar variation 3571729 (VCV003571729.2).

ClinVar aggregate classification (germline): Uncertain significance (1 of 4 stars; one submission).

Submission:

Athena Diagnostics
Classification: Uncertain significance. Last evaluated: 2024-12-02. Review status: criteria provided, single submitter. Criteria: Athena Diagnostics Criteria. Collection method: clinical testing. Allele origin: unknown.
Comment: Available data are insufficient to determine the clinical significance of the variant at this time. This variant has not been reported in large, multi-ethnic general populations. Polyphen and MutationTaster predict this amino acid change may be benign.